The following is an entry in ClinVar:

NM_001287.6(CLCN7):c.444G>A (p.Val148=)

Gene: CLCN7 (Cl-/H+ antiporter 7; minus strand). Cytogenetic location: 16p13.3.
Variant type: single nucleotide variant.
Coding change: c.444G>A on transcript NM_001287.6 (MANE Select); coding-DNA position 444, G replaced by A.
Protein change: p.Val148=; no amino-acid change (valine 148 retained).
Molecular consequence: synonymous variant.
Genome position (GRCh38, 1-based): chr16:1,460,856, C>T on the plus strand (G>A on the coding strand, the complement: CLCN7 is on the minus strand). VCF-style: chr16-1460856-C-T. GRCh37 (hg19) VCF-style: chr16-1510857-C-T.
Other names: c.372G>A, p.Val124= (NM_001114331.3); c.444G>A (NM_001287.5).
Identifiers: ClinVar variation 1446766 (VCV001446766.9), dbSNP rs199759176, ClinGen allele CA7810788.
Genomic context (GRCh38, chr16:1,460,856, plus strand): 5'-GGCCGCACTGGGAAGGATACTGCCCTTGATGACCCTGTACTTGAGGCCAGCCAGGTTTTC[C>T]ACCACGATGTCAATGAAGCAGGCCACGAGGCCCGTGAGGATCCCAATGAGGGCGCAGATG-3'
Protein context (NP_001278.1, residues 138-158): GLVACFIDIV[Val148=]ENLAGLKYRV

ClinVar aggregate classification (germline): Likely benign. Review status: criteria provided, multiple submitters, no conflicts (2 of 4 stars). 3 submissions from 3 submitters: Likely benign (2). 1 of the submissions does not count toward it. Last evaluated 2026-01-10.

Conditions:
CLCN7-related disorder. Also called: CLCN7-related condition.

Allele frequency attached by ClinVar (database versions not stated): gnomAD exomes 0.00001 and 0.00002; ExAC 0.00004; TOPMed 0.00010; gnomAD 0.00011 and 0.00014; 1000 Genomes Project 30x 0.00031; 1000 Genomes Project 0.00040.

Submissions (3):

Labcorp Genetics (formerly Invitae), Labcorp
Classification: Likely benign. Last evaluated: 2026-01-10. Review status: criteria provided, single submitter. Criteria: Invitae Variant Classification Sherloc (09022015). Collection method: clinical testing. Allele origin: germline.

Blueprint Genetics
Classification: Likely benign. Last evaluated: 2022-09-13. Review status: criteria provided, single submitter. Criteria: ACMG Guidelines, 2015. Collection method: clinical testing. Allele origin: germline.

PreventionGenetics, part of Exact Sciences
Classification: Likely benign for CLCN7-related condition. Last evaluated: 2022-04-18. Review status: no assertion criteria provided. Collection method: clinical testing. Allele origin: germline. Not counted in ClinVar's aggregate classification.
Comment: This variant is classified as likely benign based on ACMG/AMP sequence variant interpretation guidelines (Richards et al. 2015 PMID: 25741868, with internal and published modifications).